The following is an entry in ClinVar:

NM_000170.3(GLDC):c.2203-1G>A

Gene: GLDC (glycine decarboxylase; minus strand). Cytogenetic location: 9p24.1.
Variant type: single nucleotide variant.
Coding change: c.2203-1G>A on transcript NM_000170.3 (MANE Select); the canonical splice acceptor site of the intron before coding-DNA position 2203, G replaced by A.
Molecular consequence: splice acceptor variant.
Genome position (GRCh38, 1-based): chr9:6,554,782, C>T on the plus strand (G>A on the coding strand, the complement: GLDC is on the minus strand). VCF-style: chr9-6554782-C-T. GRCh37 (hg19) VCF-style: chr9-6554782-C-T.
Identifiers: ClinVar variation 2821149 (VCV002821149.3), dbSNP rs2489033769, ClinGen allele CA372880431.

ClinVar aggregate classification (germline): Pathogenic (1 of 4 stars; one submission).

Conditions:
Glycine encephalopathy. Also called: Nonketotic hyperglycinemia; Non-ketotic hyperglycinemia. Identifiers: Orphanet 407, MedGen C0751748, MONDO:0011612, HP:0008288.

Submission:

Labcorp Genetics (formerly Invitae), Labcorp
Classification: Pathogenic for Glycine encephalopathy. Last evaluated: 2023-12-10. Review status: criteria provided, single submitter. Criteria: Invitae Variant Classification Sherloc (09022015). Collection method: clinical testing. Allele origin: germline.
Comment: This sequence change affects an acceptor splice site in intron 18 of the GLDC gene. It is expected to disrupt RNA splicing. Variants that disrupt the donor or acceptor splice site typically lead to a loss of protein function (PMID: 16199547), and loss-of-function variants in GLDC are known to be pathogenic (PMID: 16601880). This variant is not present in population databases (gnomAD no frequency). Disruption of this splice site has been observed in individual(s) with glycine encephalopathy (PMID: 26179960). In at least one individual the data is consistent with being in trans (on the opposite chromosome) from a pathogenic variant. Algorithms developed to predict the effect of sequence changes on RNA splicing suggest that this variant may disrupt the consensus splice site. For these reasons, this variant has been classified as Pathogenic.

Literature cited by the submitters: PubMed 16199547; PubMed 16601880; PubMed 26179960.